The following is an entry in ClinVar:

ClinVar aggregate classification (germline): Uncertain significance (1 of 4 stars; one submission).

Submission:

Labcorp Genetics (formerly Invitae), Labcorp
Classification: Uncertain significance. Last evaluated: 2024-12-18. Review status: criteria provided, single submitter. Criteria: Invitae Variant Classification Sherloc (09022015). Collection method: clinical testing. Allele origin: germline.
Comment: This sequence change replaces cysteine, which is neutral and slightly polar, with tyrosine, which is neutral and polar, at codon 2175 of the NSD1 protein (p.Cys2175Tyr). This variant is not present in population databases (gnomAD no frequency). This variant has not been reported in the literature in individuals affected with NSD1-related conditions. ClinVar contains an entry for this variant (Variation ID: 658875). Invitae Evidence Modeling of protein sequence and biophysical properties (such as structural, functional, and spatial information, amino acid conservation, physicochemical variation, residue mobility, and thermodynamic stability) indicates that this missense variant is expected to disrupt NSD1 protein function with a positive predictive value of 95%. This variant disrupts the p.Cys2175 amino acid residue in NSD1. Other variant(s) that disrupt this residue have been observed in individuals with NSD1-related conditions (PMID: 19545651), which suggests that this may be a clinically significant amino acid residue. In summary, the available evidence is currently insufficient to determine the role of this variant in disease. Therefore, it has been classified as a Variant of Uncertain Significance.

Literature cited by the submitters: PubMed 19545651.

NM_022455.5(NSD1):c.6524G>A (p.Cys2175Tyr)

Gene: NSD1 (nuclear receptor binding SET domain protein 1; plus strand). Cytogenetic location: 5q35.3.
Variant type: single nucleotide variant.
Coding change: c.6524G>A on transcript NM_022455.5 (MANE Select); coding-DNA position 6524, G replaced by A.
Protein change: p.Cys2175Tyr; replaces cysteine 2175 with tyrosine.
Molecular consequence: missense variant.
Genome position (GRCh38, 1-based): chr5:177,293,892, G>A. VCF-style: chr5-177293892-G-A. GRCh37 (hg19) VCF-style: chr5-176720893-G-A.
Other names: c.5651G>A, p.Cys1884Tyr (NM_001365684.2, NM_001409308.1, NM_172349.5); c.6524G>A, p.Cys2175Tyr (NM_001409301.1, NM_001409302.1, NM_001409303.1); c.6104G>A, p.Cys2035Tyr (NM_001409304.1); c.5771G>A, p.Cys1924Tyr (NM_001409305.1); c.5762G>A, p.Cys1921Tyr (NM_001409306.1, NM_001409307.1); c.5402G>A, p.Cys1801Tyr (NM_001409309.1); short protein forms C1906Y, C2175Y, C2035Y, C1801Y, C1884Y, C1921Y, C1924Y.
Identifiers: ClinVar variation 658875 (VCV000658875.7), dbSNP rs1581562963, ClinGen allele CA362323691.